The following is an entry in ClinVar:

NM_144687.4(NLRP12):c.575G>T (p.Ser192Ile)

Gene: NLRP12 (NLR family pyrin domain containing 12; minus strand). Cytogenetic location: 19q13.42.
Variant type: single nucleotide variant.
Coding change: c.575G>T on transcript NM_144687.4 (MANE Select); coding-DNA position 575, G replaced by T.
Protein change: p.Ser192Ile; replaces serine 192 with isoleucine.
Molecular consequence: missense variant.
Genome position (GRCh38, 1-based): chr19:53,811,084, C>A on the plus strand (G>T on the coding strand, the complement: NLRP12 is on the minus strand). VCF-style: chr19-53811084-C-A. GRCh37 (hg19) VCF-style: chr19-54314338-C-A.
Other names: c.575G>T, p.Ser192Ile (NM_001277126.2, NM_001277129.1); short protein forms S192I.
Identifiers: ClinVar variation 861325 (VCV000861325.9), dbSNP rs774008748, ClinGen allele CA407416464.

ClinVar aggregate classification (germline): Uncertain significance (1 of 4 stars; one submission).

Conditions:
Familial cold autoinflammatory syndrome 2 (FCAS2). Identifiers: Orphanet 247868, MedGen C2673198, MONDO:0012724, OMIM 611762.

Submission:

Labcorp Genetics (formerly Invitae), Labcorp
Classification: Uncertain significance for Familial cold autoinflammatory syndrome 2. Last evaluated: 2019-12-01. Review status: criteria provided, single submitter. Criteria: Invitae Variant Classification Sherloc (09022015). Collection method: clinical testing. Allele origin: germline.
Comment: This sequence change replaces serine with isoleucine at codon 192 of the NLRP12 protein (p.Ser192Ile). The serine residue is highly conserved and there is a large physicochemical difference between serine and isoleucine. This variant is not present in population databases (ExAC no frequency). This variant has not been reported in the literature in individuals with NLRP12-related conditions. Algorithms developed to predict the effect of missense changes on protein structure and function (SIFT, PolyPhen-2, Align-GVGD) all suggest that this variant is likely to be disruptive, but these predictions have not been confirmed by published functional studies and their clinical significance is uncertain. In summary, the available evidence is currently insufficient to determine the role of this variant in disease. Therefore, it has been classified as a Variant of Uncertain Significance.